The following is an entry in ClinVar:

ClinVar aggregate classification (germline): Benign. Review status: criteria provided, multiple submitters, no conflicts (2 of 4 stars). 4 submissions from 4 submitters: Benign (3). 1 of the submissions does not count toward it. Last evaluated 2025-02-16.

Conditions:
Parkinson disease, resistance to. Identifiers: MedGen C4016597.
Leigh syndrome (NULS). Also called: Leigh Disease; LEIGH SYNDROME, NUCLEAR; Leigh Syndrome (mtDNA deletion); Leigh's necrotizing encephalopathy; Leigh's disease; Leigh's syndrome. Identifiers: Orphanet 506, MedGen C2931891, MONDO:0009723, OMIM 256000.

Submissions (4):

Laboratory of Genetics, Children's Clinical University Hospital Latvia
Classification: Benign. Last evaluated: 2025-02-16. Review status: criteria provided, single submitter. Criteria: ACMG Guidelines, 2015. Collection method: clinical testing. Allele origin: germline. Affected: yes.

Wong Mito Lab, Molecular and Human Genetics, Baylor College of Medicine
Classification: Benign for Leigh syndrome. Last evaluated: 2019-10-17. Review status: criteria provided, single submitter. Criteria: Modified ACMG Guidelines (Unpublished). Collection method: clinical testing. Allele origin: germline.
Comment: The NC_012920.1:m.10398A>G (YP_003024033.1:p.Thr114Ala) variant in MTND3 gene is interpretated to be a Benign variant based on the modified ACMG guidelines (unpublished). This variant meets the following evidence codes: BA1

Breakthrough Genomics
Classification: Benign. Review status: criteria provided, single submitter. Criteria: ACMG Guidelines, 2015. Collection method: not provided. Allele origin: germline. Inheritance: Unknown mechanism. Affected: yes.

OMIM
Classification: protective for PARKINSON DISEASE, RESISTANCE TO. Last evaluated: 2007-02-01. Review status: no assertion criteria provided. Collection method: literature only. Allele origin: germline. Not counted in ClinVar's aggregate classification.

Literature cited by the submitters: PubMed 6343397 (cited by OMIM); PubMed 17066297 (cited by OMIM).

NC_012920.1(MT-ND3):m.10398A>G

Gene: MT-ND3 (mitochondrially encoded NADH dehydrogenase 3; plus strand).
Variant type: single nucleotide variant.
Genome position: chrM-10398-A-G.
Other names: 10398A-G.
Identifiers: ClinVar variation 9713 (VCV000009713.4), dbSNP rs2853826, ClinGen allele CA120638.